The following is an entry in ClinVar:

ClinVar aggregate classification (germline): Uncertain significance. Review status: criteria provided, multiple submitters, no conflicts (2 of 4 stars). 2 submissions from 2 submitters: Uncertain significance (2). Last evaluated 2024-09-21.

Conditions:
Inborn genetic diseases. Identifiers: MedGen C0950123, MeSH D030342.

Allele frequency attached by ClinVar (database versions not stated): gnomAD exomes below 0.00001.
gnomAD v4.1: 1 of 1,599,564 alleles (0.000063%); highest among the groups gnomAD compares: Non-Finnish European, 0.000085%; no homozygotes.

Submissions (2):

GeneDx
Classification: Uncertain significance. Last evaluated: 2024-09-21. Review status: criteria provided, single submitter. Criteria: GeneDx Variant Classification Process June 2021. Collection method: clinical testing. Allele origin: germline.
Comment: Not observed at significant frequency in large population cohorts (gnomAD); In silico analysis indicates that this missense variant does not alter protein structure/function; Has not been previously published as pathogenic or benign to our knowledge; Reported using an alternate transcript of the gene

Ambry Genetics
Classification: Uncertain significance for Inborn genetic diseases. Last evaluated: 2021-04-13. Review status: criteria provided, single submitter. Criteria: Ambry Variant Classification Scheme 2023. Collection method: clinical testing. Allele origin: germline.
Comment: The p.I3781L variant (also known as c.11341A>C), located in coding exon 62 of the DST gene, results from an A to C substitution at nucleotide position 11341. The isoleucine at codon 3781 is replaced by leucine, an amino acid with highly similar properties. This amino acid position is highly conserved in available vertebrate species. In addition, this alteration is predicted to be tolerated by in silico analysis. Since supporting evidence is limited at this time, the clinical significance of this alteration remains unclear.

NM_001374736.1(DST):c.17698A>C (p.Ile5900Leu)

Gene: DST (dystonin; minus strand). Cytogenetic location: 6p12.1.
Variant type: single nucleotide variant.
Coding change: c.17698A>C on transcript NM_001374736.1 (MANE Select); coding-DNA position 17698, A replaced by C.
Protein change: p.Ile5900Leu; replaces isoleucine 5900 with leucine.
Molecular consequence: missense variant.
Genome position (GRCh38, 1-based): chr6:56,527,717, T>G on the plus strand (A>C on the coding strand, the complement: DST is on the minus strand). VCF-style: chr6-56527717-T-G. GRCh37 (hg19) VCF-style: chr6-56392515-T-G.
Other names: c.11341A>C, p.Ile3781Leu (NM_001144769.5); c.10927A>C, p.Ile3643Leu (NM_001144770.2); c.17698A>C, p.Ile5900Leu (NM_001374722.1); c.16738A>C, p.Ile5580Leu (NM_001374729.1); c.10480A>C, p.Ile3494Leu (NM_001374730.1); c.17725A>C, p.Ile5909Leu (NM_001374734.1); c.10807A>C, p.Ile3603Leu (NM_001386100.1, NM_183380.4); c.9829A>C, p.Ile3277Leu (NM_015548.5); short protein forms I3277L, I3643L, I3781L, I5909L, I3494L, I3603L, I5580L, I5900L.
Identifiers: ClinVar variation 1729163 (VCV001729163.4), dbSNP rs2534789235, ClinGen allele CA364506523.
Genomic context (GRCh38, chr6:56,527,717, plus strand): 5'-CAGTGCTCAGTTTAGTAATGTCTTTGTACCTTGCTTTAATGGCTTCCAATTTATCTTGAA[T>G]TATTAAAACTTCATCACCTAAAATTTCAAAGTCACGTTATTTCTTATGAAGGAAAAAAAA-3'
Protein context (NP_001361665.1, residues 5890-5910): KQTTGDEVLI[Ile5900Leu]QDKLEAIKAR